The following is an entry in ClinVar:

NM_001394998.1(TANC2):c.3789G>C (p.Gly1263=)

Genes: TANC2 (tetratricopeptide repeat, ankyrin repeat and coiled-coil containing 2; plus strand), LOC105371856 (uncharacterized LOC105371856; minus strand). Cytogenetic location: 17q23.3.
Variant type: single nucleotide variant.
Coding change: c.3789G>C on transcript NM_001394998.1 (MANE Select); coding-DNA position 3789, G replaced by C.
Protein change: p.Gly1263=; no amino-acid change (glycine 1263 retained).
Molecular consequence: synonymous variant.
Genome position (GRCh38, 1-based): chr17:63,412,021, G>C. VCF-style: chr17-63412021-G-C. GRCh37 (hg19) VCF-style: chr17-61489382-G-C.
Other names: c.3567G>C, p.Gly1189= (NM_001411076.1, NM_025185.4).
Identifiers: ClinVar variation 4681597 (VCV004681597.5).

ClinVar aggregate classification (germline): Likely benign (1 of 4 stars; one submission).

Submission:

CeGaT Center for Human Genetics Tuebingen
Classification: Likely benign. Last evaluated: 2025-12-01. Review status: criteria provided, single submitter. Criteria: CeGaT Center For Human Genetics Tuebingen Variant Classification Criteria Version 2. Collection method: clinical testing. Allele origin: germline. Affected: yes. Observed: 1 variant allele.
Comment: TANC2: PM2:Supporting, BP4, BP7